The following is an entry in ClinVar:

NM_018942.3(HMX1):c.565G>A (p.Ala189Thr)

Gene: HMX1 (H6 family homeobox 1; minus strand). Cytogenetic location: 4p16.1.
Variant type: single nucleotide variant.
Coding change: c.565G>A on transcript NM_018942.3 (MANE Select); coding-DNA position 565, G replaced by A.
Protein change: p.Ala189Thr; replaces alanine 189 with threonine.
Molecular consequence: missense variant. On other transcripts: intron variant (1).
Genome position (GRCh38, 1-based): chr4:8,868,175, C>T on the plus strand (G>A on the coding strand, the complement: HMX1 is on the minus strand). VCF-style: chr4-8868175-C-T. GRCh37 (hg19) VCF-style: chr4-8869901-C-T.
Other names: c.565G>A (NM_018942.2); c.394+3046G>A (NM_001306142.2); short protein forms A189T.
Identifiers: ClinVar variation 1047086 (VCV001047086.6), dbSNP rs1167714739, ClinGen allele CA356278294.
Genomic context (GRCh38, chr4:8,868,175, plus strand): 5'-CTGTGCGCGTCTTCTTCTTTCGGCCGCCGCCCACGCCAACGCCGCCGCGTGTCTCCCCAG[C>T]CGCCGCAGGGACCTCGGCCAGCTCCGACGCCTCCTCCGTGCCGGCCGCCGGGCCACGCGC-3'
Protein context (NP_061815.2, residues 179-199): ASELAEVPAA[Ala189Thr]GETRGGVGVG

ClinVar aggregate classification (germline): Uncertain significance. Review status: criteria provided, multiple submitters, no conflicts (2 of 4 stars). 2 submissions from 2 submitters: Uncertain significance (2). Last evaluated 2025-12-11.

Conditions:
Inborn genetic diseases. Identifiers: MedGen C0950123, MeSH D030342.

Submissions (2):

Ambry Genetics
Classification: Uncertain significance for Inborn genetic diseases. Last evaluated: 2025-12-11. Review status: criteria provided, single submitter. Criteria: Ambry Variant Classification Scheme 2023. Collection method: clinical testing. Allele origin: germline.

Labcorp Genetics (formerly Invitae), Labcorp
Classification: Uncertain significance. Last evaluated: 2022-11-01. Review status: criteria provided, single submitter. Criteria: Invitae Variant Classification Sherloc (09022015). Collection method: clinical testing. Allele origin: germline.
Comment: In summary, the available evidence is currently insufficient to determine the role of this variant in disease. Therefore, it has been classified as a Variant of Uncertain Significance. Advanced modeling of protein sequence and biophysical properties (such as structural, functional, and spatial information, amino acid conservation, physicochemical variation, residue mobility, and thermodynamic stability) performed at Invitae indicates that this missense variant is not expected to disrupt HMX1 protein function. ClinVar contains an entry for this variant (Variation ID: 1047086). This variant has not been reported in the literature in individuals affected with HMX1-related conditions. This variant is not present in population databases (gnomAD no frequency). This sequence change replaces alanine, which is neutral and non-polar, with threonine, which is neutral and polar, at codon 189 of the HMX1 protein (p.Ala189Thr).